The following is an entry in ClinVar:

NM_003322.6(TULP1):c.961T>C (p.Tyr321His)

Gene: TULP1 (TUB like protein 1; minus strand). Cytogenetic location: 6p21.31.
Variant type: single nucleotide variant.
Coding change: c.961T>C on transcript NM_003322.6 (MANE Select); coding-DNA position 961, T replaced by C.
Protein change: p.Tyr321His; replaces tyrosine 321 with histidine.
Molecular consequence: missense variant.
Genome position (GRCh38, 1-based): chr6:35,506,041, A>G on the plus strand (T>C on the coding strand, the complement: TULP1 is on the minus strand). VCF-style: chr6-35506041-A-G. GRCh37 (hg19) VCF-style: chr6-35473818-A-G.
Other names: c.802T>C, p.Tyr268His (NM_001289395.2); short protein forms Y268H, Y321H.
Identifiers: ClinVar variation 3685946 (VCV003685946.2).

ClinVar aggregate classification (germline): Likely pathogenic (1 of 4 stars; one submission).

Submission:

Labcorp Genetics (formerly Invitae), Labcorp
Classification: Likely pathogenic. Last evaluated: 2024-02-02. Review status: criteria provided, single submitter. Criteria: Invitae Variant Classification Sherloc (09022015). Collection method: clinical testing. Allele origin: germline.
Comment: This sequence change replaces tyrosine, which is neutral and polar, with histidine, which is basic and polar, at codon 321 of the TULP1 protein (p.Tyr321His). This variant is not present in population databases (gnomAD no frequency). This variant has not been reported in the literature in individuals affected with TULP1-related conditions. Advanced modeling of protein sequence and biophysical properties (such as structural, functional, and spatial information, amino acid conservation, physicochemical variation, residue mobility, and thermodynamic stability) performed at Invitae indicates that this missense variant is expected to disrupt TULP1 protein function with a positive predictive value of 95%. This variant disrupts the p.Tyr321 amino acid residue in TULP1. Other variant(s) that disrupt this residue have been determined to be pathogenic (PMID: 23847139). This suggests that this residue is clinically significant, and that variants that disrupt this residue are likely to be disease-causing. In summary, the currently available evidence indicates that the variant is pathogenic, but additional data are needed to prove that conclusively. Therefore, this variant has been classified as Likely Pathogenic.

Literature cited by the submitters: PubMed 23847139.